The following is an entry in ClinVar:

ClinVar aggregate classification (germline): Uncertain significance (1 of 4 stars; one submission).

Conditions:
Perlman syndrome (PRLMNS). Identifiers: Orphanet 2849, MedGen C0796113, MONDO:0009965, OMIM 267000.

Allele frequency attached by ClinVar (database versions not stated): gnomAD exomes below 0.00001.
gnomAD v4.1: 6 of 1,613,580 alleles (0.00037%); highest among the groups gnomAD compares: Non-Finnish European, 0.00051%; no homozygotes.

Submission:

Labcorp Genetics (formerly Invitae), Labcorp
Classification: Uncertain significance for Perlman syndrome. Last evaluated: 2022-12-02. Review status: criteria provided, single submitter. Criteria: Invitae Variant Classification Sherloc (09022015). Collection method: clinical testing. Allele origin: germline.
Comment: Algorithms developed to predict the effect of missense changes on protein structure and function (SIFT, PolyPhen-2, Align-GVGD) all suggest that this variant is likely to be tolerated. This sequence change replaces serine, which is neutral and polar, with phenylalanine, which is neutral and non-polar, at codon 198 of the DIS3L2 protein (p.Ser198Phe). This variant is not present in population databases (gnomAD no frequency). This variant has not been reported in the literature in individuals affected with DIS3L2-related conditions. In summary, the available evidence is currently insufficient to determine the role of this variant in disease. Therefore, it has been classified as a Variant of Uncertain Significance.

NM_152383.5(DIS3L2):c.593C>T (p.Ser198Phe)

Gene: DIS3L2 (DIS3 like 3'-5' exoribonuclease 2; plus strand). Cytogenetic location: 2q37.1.
Variant type: single nucleotide variant.
Coding change: c.593C>T on transcript NM_152383.5 (MANE Select); coding-DNA position 593, C replaced by T.
Protein change: p.Ser198Phe; replaces serine 198 with phenylalanine.
Molecular consequence: missense variant. On other transcripts: non-coding transcript variant (2).
Genome position (GRCh38, 1-based): chr2:232,087,713, C>T. VCF-style: chr2-232087713-C-T. GRCh37 (hg19) VCF-style: chr2-232952423-C-T.
Other names: c.593C>T, p.Ser198Phe (NM_001257281.2, NM_001257282.2); short protein forms S198F.
Identifiers: ClinVar variation 2716241 (VCV002716241.3), dbSNP rs2469750345, ClinGen allele CA351155321.